The following is an entry in ClinVar:

NM_000368.5(TSC1):c.962del (p.Asn321fs)

Gene: TSC1 (TSC complex subunit 1; minus strand). Cytogenetic location: 9q34.13.
Variant type: Deletion.
Coding change: c.962del on transcript NM_000368.5 (MANE Select); coding-DNA position 962, one base deleted (A; older notation c.962delA).
Protein change: p.Asn321fs; shifts the reading frame from asparagine 321.
Molecular consequence: frameshift variant. On other transcripts: 5 prime UTR variant (2), non-coding transcript variant (5).
Genome position (GRCh38, 1-based): chr9:132,911,520, T deleted on the plus strand (A on the coding strand, the reverse complement: TSC1 is on the minus strand); the first of 3 consecutive T bases (chr9:132,911,520-132,911,522); deleting any one gives the same sequence. VCF-style (leftmost placement, unchanged base first): chr9-132911519-AT-A. GRCh37 (hg19) VCF-style: chr9-135786906-AT-A.
Other names: c.962del, p.Asn321fs (NM_001162426.2, NM_001406592.1, NM_001406593.1 and 16 more transcripts); c.809del, p.Asn270fs (NM_001162427.2, NM_001406610.1, NM_001406611.1 and 2 more transcripts); c.599del, p.Asn200fs (NM_001362177.2, NM_001406614.1, NM_001406615.1 and 10 more transcripts); c.11del, p.Asn4fs (NM_001406626.1, NM_001406627.1, NM_001406628.1); c.-132del (NM_001406629.1, NM_001406630.1); c.962delA (NM_000368.4); short protein forms N200fs, N270fs, N321fs, N4fs.
Identifiers: ClinVar variation 3231339 (VCV003231339.1), dbSNP rs2538869694, ClinGen allele CA2825001617.

ClinVar aggregate classification (germline): Pathogenic (1 of 4 stars; one submission).

Conditions:
Hereditary cancer-predisposing syndrome. Also called: Neoplastic Syndromes, Hereditary; Tumor predisposition; Hereditary neoplastic syndrome; Hereditary Cancer Syndrome. Identifiers: Orphanet 140162, MedGen C0027672, MeSH D009386, MONDO:0015356.

Submission:

Ambry Genetics
Classification: Pathogenic for Hereditary cancer-predisposing syndrome. Last evaluated: 2023-10-13. Review status: criteria provided, single submitter. Criteria: Ambry Variant Classification Scheme 2023. Collection method: clinical testing. Allele origin: germline.
Comment: The c.962delA pathogenic mutation, located in coding exon 8 of the TSC1 gene, results from a deletion of one nucleotide at nucleotide position 962, causing a translational frameshift with a predicted alternate stop codon (p.N321Ifs*10). This variant is considered to be rare based on population cohorts in the Genome Aggregation Database (gnomAD). This alteration is expected to result in loss of function by premature protein truncation or nonsense-mediated mRNA decay. As such, this alteration is interpreted as a disease-causing mutation.